The following is an entry in ClinVar:

NM_000038.6(APC):c.4362A>T (p.Lys1454Asn)

Gene: APC (APC regulator of Wnt signaling pathway; plus strand). Cytogenetic location: 5q22.2.
Variant type: single nucleotide variant.
Coding change: c.4362A>T on transcript NM_000038.6 (MANE Select); coding-DNA position 4362, A replaced by T.
Protein change: p.Lys1454Asn; replaces lysine 1454 with asparagine.
Molecular consequence: missense variant. On other transcripts: non-coding transcript variant (2).
Genome position (GRCh38, 1-based): chr5:112,839,956, A>T. VCF-style: chr5-112839956-A-T. GRCh37 (hg19) VCF-style: chr5-112175653-A-T.
Other names: c.4185A>T, p.Lys1395Asn (NM_001354901.2, NM_001407453.1); c.4089A>T, p.Lys1363Asn (NM_001354902.2); c.4059A>T, p.Lys1353Asn (NM_001354903.2, NM_001407458.1, NM_001407459.1 and 1 more transcripts); c.3984A>T, p.Lys1328Asn (NM_001354904.2); c.3882A>T, p.Lys1294Asn (NM_001354905.2); c.4446A>T, p.Lys1482Asn (NM_001407446.1); c.4416A>T, p.Lys1472Asn (NM_001407447.1, NM_001354896.2, NM_001407448.1 and 1 more transcripts); c.3513A>T, p.Lys1171Asn (NM_001354906.2, NM_001407470.1); and 11 more; short protein forms K1454N, K1472N, K1070N, K1294N, K1328N, K1413N, K1426N, K1429N.
Identifiers: ClinVar variation 2452675 (VCV002452675.2), dbSNP rs2533569024, ClinGen allele CA16030885.

ClinVar aggregate classification (germline): Uncertain significance (1 of 4 stars; one submission).

Conditions:
Hereditary cancer-predisposing syndrome. Also called: Neoplastic Syndromes, Hereditary; Tumor predisposition; Hereditary neoplastic syndrome; Hereditary Cancer Syndrome. Identifiers: Orphanet 140162, MedGen C0027672, MeSH D009386, MONDO:0015356.

Submission:

Ambry Genetics
Classification: Uncertain significance for Hereditary cancer-predisposing syndrome. Last evaluated: 2022-11-14. Review status: criteria provided, single submitter. Criteria: Ambry Variant Classification Scheme 2023. Collection method: clinical testing. Allele origin: germline.
Comment: The p.K1454N variant (also known as c.4362A>T), located in coding exon 15 of the APC gene, results from an A to T substitution at nucleotide position 4362. The lysine at codon 1454 is replaced by asparagine, an amino acid with similar properties. This amino acid position is well conserved in available vertebrate species. In addition, in silico predictors for this gene do not accurately predict pathogenicity. Since supporting evidence is limited at this time, the clinical significance of this alteration remains unclear.